The following is an entry in ClinVar:

ClinVar aggregate classification (germline): Uncertain significance (1 of 4 stars; one submission).

Allele frequency attached by ClinVar (database versions not stated): TOPMed 0.00001; ExAC 0.00002.
gnomAD v4.1: 13 of 1,614,168 alleles (0.00081%); highest among the groups gnomAD compares: South Asian, 0.014%; 1 homozygote.

Submission:

Labcorp Genetics (formerly Invitae), Labcorp
Classification: Uncertain significance. Last evaluated: 2022-08-13. Review status: criteria provided, single submitter. Criteria: Invitae Variant Classification Sherloc (09022015). Collection method: clinical testing. Allele origin: germline.
Comment: In summary, the available evidence is currently insufficient to determine the role of this variant in disease. Therefore, it has been classified as a Variant of Uncertain Significance. Algorithms developed to predict the effect of sequence changes on RNA splicing suggest that this variant may disrupt the consensus splice site. This variant has not been reported in the literature in individuals affected with CLCNKB-related conditions. This variant is present in population databases (rs770999043, gnomAD 0.02%). This sequence change affects codon 105 of the CLCNKB mRNA. It is a 'silent' change, meaning that it does not change the encoded amino acid sequence of the CLCNKB protein.

NM_000085.5(CLCNKB):c.315T>C (p.Ser105=)

Genes: CLCNKB (chloride voltage-gated channel Kb; plus strand), LOC106501713 (CLCNKB recombination region; plus strand). Cytogenetic location: 1p36.13.
Variant type: single nucleotide variant.
Coding change: c.315T>C on transcript NM_000085.5 (MANE Select); coding-DNA position 315, T replaced by C.
Protein change: p.Ser105=; no amino-acid change (serine 105 retained).
Molecular consequence: synonymous variant.
Genome position (GRCh38, 1-based): chr1:16,046,620, T>C. VCF-style: chr1-16046620-T-C. GRCh37 (hg19) VCF-style: chr1-16373115-T-C.
Identifiers: ClinVar variation 2097143 (VCV002097143.4), dbSNP rs770999043, ClinGen allele CA623265.